The following is an entry in ClinVar:

ClinVar aggregate classification (germline): Pathogenic (1 of 4 stars; one submission).

Allele frequency attached by ClinVar (database versions not stated): gnomAD 0.00001.
gnomAD v4.1: 3 of 1,612,462 alleles (0.00019%); highest among the groups gnomAD compares: East Asian, 0.0022%; no homozygotes.

Submission:

Labcorp Genetics (formerly Invitae), Labcorp
Classification: Pathogenic. Last evaluated: 2022-12-21. Review status: criteria provided, single submitter. Criteria: Invitae Variant Classification Sherloc (09022015). Collection method: clinical testing. Allele origin: germline.
Comment: For these reasons, this variant has been classified as Pathogenic. This variant has not been reported in the literature in individuals affected with CC2D1A-related conditions. This variant is present in population databases (rs771168246, gnomAD 0.0009%). This sequence change creates a premature translational stop signal (p.Arg390*) in the CC2D1A gene. It is expected to result in an absent or disrupted protein product. Loss-of-function variants in CC2D1A are known to be pathogenic (PMID: 16033914).

Literature cited by the submitters: PubMed 16033914.

NM_017721.5(CC2D1A):c.1168C>T (p.Arg390Ter)

Gene: CC2D1A (coiled-coil and C2 domain containing 1A; plus strand). Cytogenetic location: 19p13.12.
Variant type: single nucleotide variant.
Coding change: c.1168C>T on transcript NM_017721.5 (MANE Select); coding-DNA position 1168, C replaced by T.
Protein change: p.Arg390Ter; replaces arginine 390 with a stop codon.
Molecular consequence: nonsense.
Genome position (GRCh38, 1-based): chr19:13,919,148, C>T. VCF-style: chr19-13919148-C-T. GRCh37 (hg19) VCF-style: chr19-14029961-C-T.
Other names: c.1168C>T, p.Arg390Ter (NM_001411138.1); short protein forms R390*.
Identifiers: ClinVar variation 2817527 (VCV002817527.3), dbSNP rs771168246, ClinGen allele CA9244565.